The following is an entry in ClinVar:

ClinVar aggregate classification (germline): Likely benign (1 of 4 stars; one submission).

Conditions:
PHIP-related disorder. Also called: PHIP-related disorders; PHIP-related condition.

Submission:

PreventionGenetics, part of Exact Sciences
Classification: Likely benign for PHIP-related condition. Last evaluated: 2026-01-26. Review status: criteria provided, single submitter. Criteria: ACMG Guidelines, 2015. Collection method: clinical testing. Allele origin: germline.
Comment: This variant is classified as likely benign based on ACMG/AMP sequence variant interpretation guidelines (Richards et al. 2015 PMID: 25741868, with internal and published modifications).

NM_017934.7(PHIP):c.2169G>T (p.Val723=)

Gene: PHIP (PHIP subunit of CUL4-Ring ligase complex; minus strand). Cytogenetic location: 6q14.1.
Variant type: single nucleotide variant.
Coding change: c.2169G>T on transcript NM_017934.7 (MANE Select); coding-DNA position 2169, G replaced by T.
Protein change: p.Val723=; no amino-acid change (valine 723 retained).
Molecular consequence: synonymous variant.
Genome position (GRCh38, 1-based): chr6:78,997,446, C>A on the plus strand (G>T on the coding strand, the complement: PHIP is on the minus strand). VCF-style: chr6-78997446-C-A. GRCh37 (hg19) VCF-style: chr6-79707163-C-A.
Identifiers: ClinVar variation 4992326 (VCV004992326.1).
Genomic context (GRCh38, chr6:78,997,446, plus strand): 5'-GTACATAAAAATTCACAACTTCCCTTACCTGGCTACACCAGCTGATAGCTCGGGTACTAC[C>A]ACCCTTCGACTCCAAGCTACCAGATCCCGCTCTGTGGCTATTTCACTTCTTGGTGCGTTG-3'
Protein context (NP_060404.4, residues 713-733): ERDLVAWSRR[Val723=]VVPELSAGVA